The following is an entry in ClinVar:

ClinVar aggregate classification (germline): Benign/Likely benign. Review status: criteria provided, multiple submitters, no conflicts (2 of 4 stars). 3 submissions from 3 submitters: Benign (1); Likely benign (1). 1 of the submissions does not count toward it. Last evaluated 2026-02-01.

Conditions:
IFT74-related disorder. Also called: IFT74-Related Disorders; IFT74-related condition.

Allele frequency attached by ClinVar (database versions not stated): gnomAD 0.00005 and 0.00011; TOPMed 0.00006; ExAC 0.00031; gnomAD exomes 0.00031.
gnomAD v4.1: 306 of 1,587,608 alleles (0.019%); highest among the groups gnomAD compares: South Asian, 0.25%; 1 homozygote.

Submissions (3):

CeGaT Center for Human Genetics Tuebingen
Classification: Likely benign. Last evaluated: 2026-02-01. Review status: criteria provided, single submitter. Criteria: CeGaT Center For Human Genetics Tuebingen Variant Classification Criteria Version 2. Collection method: clinical testing. Allele origin: germline. Affected: yes. Observed: 1 variant allele.
Comment: IFT74: BP4, BP7

Labcorp Genetics (formerly Invitae), Labcorp
Classification: Benign. Last evaluated: 2026-02-01. Review status: criteria provided, single submitter. Criteria: Invitae Variant Classification Sherloc (09022015). Collection method: clinical testing. Allele origin: germline.

PreventionGenetics, part of Exact Sciences
Classification: Likely benign for IFT74-related condition. Last evaluated: 2021-03-15. Review status: no assertion criteria provided. Collection method: clinical testing. Allele origin: germline. Not counted in ClinVar's aggregate classification.
Comment: This variant is classified as likely benign based on ACMG/AMP sequence variant interpretation guidelines (Richards et al. 2015 PMID: 25741868, with internal and published modifications).

NM_025103.4(IFT74):c.303T>A (p.Leu101=)

Gene: IFT74 (intraflagellar transport 74; plus strand). Cytogenetic location: 9p21.2.
Variant type: single nucleotide variant.
Coding change: c.303T>A on transcript NM_025103.4 (MANE Select); coding-DNA position 303, T replaced by A.
Protein change: p.Leu101=; no amino-acid change (leucine 101 retained).
Molecular consequence: synonymous variant.
Genome position (GRCh38, 1-based): chr9:26,980,617, T>A. VCF-style: chr9-26980617-T-A. GRCh37 (hg19) VCF-style: chr9-26980615-T-A.
Other names: c.303T>A, p.Leu101= (NM_001099222.3, NM_001099223.3, NM_001099224.3 and 1 more transcripts); c.303T>A (NM_025103.2).
Identifiers: ClinVar variation 1636603 (VCV001636603.14), dbSNP rs760997513, ClinGen allele CA5014884.